The following is an entry in ClinVar:

NM_015271.5(TRIM2):c.1243A>G (p.Thr415Ala)

Gene: TRIM2 (tripartite motif containing 2; plus strand). Cytogenetic location: 4q31.3.
Variant type: single nucleotide variant.
Coding change: c.1243A>G on transcript NM_015271.5 (MANE Select); coding-DNA position 1243, A replaced by G.
Protein change: p.Thr415Ala; replaces threonine 415 with alanine.
Molecular consequence: missense variant.
Genome position (GRCh38, 1-based): chr4:153,295,769, A>G. VCF-style: chr4-153295769-A-G. GRCh37 (hg19) VCF-style: chr4-154216921-A-G.
Other names: c.1162A>G, p.Thr388Ala (NM_001130067.2, NM_001351056.2, NM_001375512.1 and 5 more transcripts); c.1216A>G, p.Thr406Ala (NM_001351054.2); c.1213A>G, p.Thr405Ala (NM_001351055.2); c.787A>G, p.Thr263Ala (NM_001351057.2); c.1336A>G, p.Thr446Ala (NM_001375488.1); c.1333A>G, p.Thr445Ala (NM_001375489.1); c.1186A>G, p.Thr396Ala (NM_001375490.1); c.1183A>G, p.Thr395Ala (NM_001375491.1); and 3 more; short protein forms T263A, T302A, T304A, T388A, T446A, T303A, T395A, T396A.
Identifiers: ClinVar variation 937687 (VCV000937687.9), dbSNP rs111861590, ClinGen allele CA107916144.

ClinVar aggregate classification (germline): Uncertain significance (1 of 4 stars; one submission).

Conditions:
Charcot-Marie-Tooth disease type 2R. Also called: CHARCOT-MARIE-TOOTH DISEASE, AXONAL, AUTOSOMAL RECESSIVE, TYPE 2R; Charcot-Marie-Tooth disease, axonal, type 2R; CHARCOT-MARIE-TOOTH NEUROPATHY, TYPE 2R. Identifiers: Orphanet 397968, MedGen C3809655, MONDO:0014208, OMIM 615490.

Submission:

Labcorp Genetics (formerly Invitae), Labcorp
Classification: Uncertain significance for Charcot-Marie-Tooth disease type 2R. Last evaluated: 2023-08-04. Review status: criteria provided, single submitter. Criteria: Invitae Variant Classification Sherloc (09022015). Collection method: clinical testing. Allele origin: germline.
Comment: ClinVar contains an entry for this variant (Variation ID: 937687). In summary, the available evidence is currently insufficient to determine the role of this variant in disease. Therefore, it has been classified as a Variant of Uncertain Significance. An algorithm developed to predict the effect of missense changes on protein structure and function (PolyPhen-2) suggests that this variant is likely to be disruptive. This variant has not been reported in the literature in individuals affected with TRIM2-related conditions. This variant is not present in population databases (gnomAD no frequency). This sequence change replaces threonine, which is neutral and polar, with alanine, which is neutral and non-polar, at codon 388 of the TRIM2 protein (p.Thr388Ala).